The following is an entry in ClinVar:

ClinVar aggregate classification (germline): Benign/Likely benign. Review status: criteria provided, multiple submitters, no conflicts (2 of 4 stars). 6 submissions from 6 submitters: Benign (2); Likely benign (2). 2 of the submissions do not count toward it. Last evaluated 2026-02-03.

Conditions:
Knobloch syndrome (KNO). Also called: RETINAL DETACHMENT AND OCCIPITAL ENCEPHALOCELE; Myopia retinal detachment encephalocele. Identifiers: Orphanet 1571, MedGen C1849409, MONDO:0800166.

Allele frequency attached by ClinVar (database versions not stated): ESP Exome Variant Server 0.01320; TOPMed 0.01569; 1000 Genomes Project 0.01657; 1000 Genomes Project 30x 0.01718; ExAC 0.01910; gnomAD 0.01979.
gnomAD v4.1: 26,357 of 1,610,564 alleles (1.6%); highest among the groups gnomAD compares: Middle Eastern, 3.4%; 312 homozygotes.

Submissions (6):

Labcorp Genetics (formerly Invitae), Labcorp
Classification: Benign. Last evaluated: 2026-02-03. Review status: criteria provided, single submitter. Criteria: Invitae Variant Classification Sherloc (09022015). Collection method: clinical testing. Allele origin: germline.

Illumina Laboratory Services, Illumina
Classification: Benign for Knobloch syndrome 1. Last evaluated: 2018-01-13. Review status: criteria provided, single submitter. Criteria: ICSL Variant Classification Criteria 13 December 2019. Collection method: clinical testing. Allele origin: germline.
Comment: This variant was observed in the ICSL laboratory as part of a predisposition screen in an ostensibly healthy population. It had not been previously curated by ICSL or reported in the Human Gene Mutation Database (HGMD: prior to June 1st, 2018), and was therefore a candidate for classification through an automated scoring system. Utilizing variant allele frequency, disease prevalence and penetrance estimates, and inheritance mode, an automated score was calculated to assess if this variant is too frequent to cause the disease. Based on the score and internal cut-off values, a variant classified as benign is not then subjected to further curation. The score for this variant resulted in a classification of benign for this disease.

Breakthrough Genomics
Classification: Likely benign. Review status: criteria provided, single submitter. Criteria: ACMG Guidelines, 2015. Collection method: not provided. Allele origin: germline. Inheritance: Autosomal recessive inheritance. Affected: yes.

PreventionGenetics, part of Exact Sciences
Classification: Likely benign. Review status: criteria provided, single submitter. Criteria: ACMG Guidelines, 2015. Collection method: clinical testing. Allele origin: germline.

Clinical Genetics DNA and cytogenetics Diagnostics Lab, Erasmus MC, Erasmus Medical Center
Classification: Benign. Review status: no assertion criteria provided. Collection method: clinical testing. Allele origin: germline. Affected: yes. Study: VKGL Data-share Consensus. Not counted in ClinVar's aggregate classification.

Laboratory of Diagnostic Genome Analysis, Leiden University Medical Center (LUMC)
Classification: Likely benign. Review status: no assertion criteria provided. Collection method: clinical testing. Allele origin: germline. Affected: yes. Study: VKGL Data-share Consensus. Not counted in ClinVar's aggregate classification.

NM_001379500.1(COL18A1):c.2728-8G>A

Genes: COL18A1 (collagen type XVIII alpha 1 chain; plus strand), SLC19A1 (solute carrier family 19 member 1; minus strand). Cytogenetic location: 21q22.3.
Variant type: single nucleotide variant.
Coding change: c.2728-8G>A on transcript NM_001379500.1 (MANE Select); 8 bases into the intron before coding-DNA position 2728, G replaced by A.
Molecular consequence: intron variant.
Genome position (GRCh38, 1-based): chr21:45,504,408, G>A. VCF-style: chr21-45504408-G-A. GRCh37 (hg19) VCF-style: chr21-46924322-G-A.
Other names: NM_130445.2:c.2728-8G>A; c.3973-8G>A (NM_130444.3); c.3268-8G>A (NM_030582.4).
Identifiers: ClinVar variation 261905 (VCV000261905.17), dbSNP rs116618591, ClinGen allele CA10067435.
Genomic context (GRCh38, chr21:45,504,408, plus strand): 5'-GGGATGGGAGGCCACCTGTGGCTTGTAGGGGTTCAGGGCTCCCGTGTAACAAGTGTTTCC[G>A]TCCACAGGGGGAGAAGGGAGACCGAGGTGATGCAGGACAGAAAGGCGAAAGGGGGGAGCC-3'